The following is an entry in ClinVar:

NM_025136.4(OPA3):c.367C>T (p.Arg123Trp)

Genes: OPA3 (outer mitochondrial membrane lipid metabolism regulator OPA3; minus strand), OPA3-RTN2 (OPA3-RTN2 readthrough; minus strand). Cytogenetic location: 19q13.32.
Variant type: single nucleotide variant.
Coding change: c.367C>T on transcript NM_025136.4 (MANE Select); coding-DNA position 367, C replaced by T.
Protein change: p.Arg123Trp; replaces arginine 123 with tryptophan.
Molecular consequence: missense variant. On other transcripts: intron variant (1).
Genome position (GRCh38, 1-based): chr19:45,553,687, G>A on the plus strand (C>T on the coding strand, the complement: OPA3 is on the minus strand). VCF-style: chr19-45553687-G-A. GRCh37 (hg19) VCF-style: chr19-46056945-G-A.
Other names: c.143-24231C>T (NM_001017989.3); short protein forms R123W.
Identifiers: ClinVar variation 1029950 (VCV001029950.2), dbSNP rs1022155897, ClinGen allele CA308958875.

ClinVar aggregate classification (germline): Uncertain significance. Review status: criteria provided, multiple submitters, no conflicts (2 of 4 stars). 2 submissions from 2 submitters: Uncertain significance (2). Last evaluated 2023-11-22.

Conditions:
3-Methylglutaconic aciduria type 3 (MGCA3). Also called: OPA3, AUTOSOMAL RECESSIVE; OPTIC ATROPHY 3, AUTOSOMAL RECESSIVE; Costeff Syndrome; OPA3-Related 3-Methylglutaconic Aciduria. Identifiers: Orphanet 67047, MedGen C0574084, MONDO:0009787, OMIM 258501.

Allele frequency attached by ClinVar (database versions not stated): gnomAD exomes 0.00001; TOPMed 0.00001.
gnomAD v4.1: 13 of 1,605,692 alleles (0.00081%); highest among the groups gnomAD compares: Middle Eastern, 0.017%; no homozygotes.

Submissions (2):

Blueprint Genetics
Classification: Uncertain significance. Last evaluated: 2023-11-22. Review status: criteria provided, single submitter. Criteria: ACMG Guidelines, 2015. Collection method: clinical testing. Allele origin: germline.

Baylor Genetics
Classification: Uncertain significance for 3-Methylglutaconic aciduria type 3. Last evaluated: 2020-04-14. Review status: criteria provided, single submitter. Criteria: ACMG Guidelines, 2015. Collection method: clinical testing. Allele origin: unknown. Affected: yes.
Comment: This variant was determined to be of uncertain significance according to ACMG Guidelines, 2015 [PMID:25741868].